The following is an entry in ClinVar:

ClinVar aggregate classification (germline): Uncertain significance. Review status: criteria provided, multiple submitters, no conflicts (2 of 4 stars). 3 submissions from 3 submitters: Uncertain significance (3). Last evaluated 2023-07-19.

Conditions:
Severe intellectual disability-poor language-strabismus-grimacing face-long fingers syndrome (GAND). Also called: GAND SYNDROME. Identifiers: Orphanet 363686, MedGen C3554448, MONDO:0014034, OMIM 615074.

Allele frequency attached by ClinVar (database versions not stated): TOPMed 0.00001; ExAC 0.00002; gnomAD exomes below 0.00001 and 0.00001.
gnomAD v4.1: 7 of 1,613,412 alleles (0.00043%); highest among the groups gnomAD compares: Non-Finnish European, 0.00051%; no homozygotes.

Submissions (3):

Labcorp Genetics (formerly Invitae), Labcorp
Classification: Uncertain significance. Last evaluated: 2023-07-19. Review status: criteria provided, single submitter. Criteria: Invitae Variant Classification Sherloc (09022015). Collection method: clinical testing. Allele origin: germline.
Comment: In summary, the available evidence is currently insufficient to determine the role of this variant in disease. Therefore, it has been classified as a Variant of Uncertain Significance. Advanced modeling of protein sequence and biophysical properties (such as structural, functional, and spatial information, amino acid conservation, physicochemical variation, residue mobility, and thermodynamic stability) performed at Invitae indicates that this missense variant is not expected to disrupt GATAD2B protein function. ClinVar contains an entry for this variant (Variation ID: 806219). This variant has not been reported in the literature in individuals affected with GATAD2B-related conditions. This variant is present in population databases (rs756129266, gnomAD 0.003%). This sequence change replaces serine, which is neutral and polar, with threonine, which is neutral and polar, at codon 17 of the GATAD2B protein (p.Ser17Thr).

Genome-Nilou Lab
Classification: Uncertain significance for Severe intellectual disability-poor language-strabismus-grimacing face-long fingers syndrome. Last evaluated: 2023-04-11. Review status: criteria provided, single submitter. Criteria: ACMG Guidelines, 2015. Collection method: clinical testing. Allele origin: germline. Affected: no.

CeGaT Center for Human Genetics Tuebingen
Classification: Uncertain significance. Last evaluated: 2017-12-01. Review status: criteria provided, single submitter. Criteria: CeGaT Center For Human Genetics Tuebingen Variant Classification Criteria Version 2. Collection method: clinical testing. Allele origin: germline. Affected: yes. Observed: 1 variant allele.

NM_020699.4(GATAD2B):c.50G>C (p.Ser17Thr)

Gene: GATAD2B (GATA zinc finger domain containing 2B; minus strand). Cytogenetic location: 1q21.3.
Variant type: single nucleotide variant.
Coding change: c.50G>C on transcript NM_020699.4 (MANE Select); coding-DNA position 50, G replaced by C.
Protein change: p.Ser17Thr; replaces serine 17 with threonine.
Molecular consequence: missense variant.
Genome position (GRCh38, 1-based): chr1:153,828,298, C>G on the plus strand (G>C on the coding strand, the complement: GATAD2B is on the minus strand). VCF-style: chr1-153828298-C-G. GRCh37 (hg19) VCF-style: chr1-153800774-C-G.
Other names: short protein forms S17T.
Identifiers: ClinVar variation 806219 (VCV000806219.47), dbSNP rs756129266, ClinGen allele CA1120930.